The following is an entry in ClinVar:

ClinVar aggregate classification (germline): Conflicting classifications of pathogenicity. Review status: criteria provided, conflicting classifications (1 of 4 stars). 2 submissions from 2 submitters: Uncertain significance (1); Likely benign (1). Last evaluated 2026-02-02.

Conditions:
Chuvash polycythemia. Also called: POLYCYTHEMIA, VHL-DEPENDENT. Identifiers: Orphanet 238557, MedGen C1837915, MONDO:0009892, OMIM 263400.
Von Hippel-Lindau syndrome (VHLS). Also called: Von Hippel-Lindau; von Hippel–Lindau syndrome; VHL syndrome. Identifiers: Orphanet 892, MedGen C0019562, MONDO:0008667, OMIM 193300. Disease mechanism: loss of function.

Allele frequency attached by ClinVar (database versions not stated): gnomAD exomes 0.00001.
gnomAD v4.1: 42 of 1,535,580 alleles (0.0027%); highest among the groups gnomAD compares: Non-Finnish European, 0.0037%; no homozygotes.

Submissions (2):

Labcorp Genetics (formerly Invitae), Labcorp
Classification: Uncertain significance for Von Hippel-Lindau syndrome; Chuvash polycythemia. Last evaluated: 2026-02-02. Review status: criteria provided, single submitter. Criteria: Invitae Variant Classification Sherloc (09022015). Collection method: clinical testing. Allele origin: germline.
Comment: This variant occurs in a non-coding region of the VHL gene. It does not change the encoded amino acid sequence of the VHL protein. This variant is present in population databases (no rsID available, gnomAD 0.004%). This variant has not been reported in the literature in individuals affected with VHL-related conditions. ClinVar contains an entry for this variant (Variation ID: 507432). In summary, the available evidence is currently insufficient to determine the role of this variant in disease. Therefore, it has been classified as a Variant of Uncertain Significance.

GeneDx
Classification: Likely benign. Last evaluated: 2017-02-14. Review status: criteria provided, single submitter. Criteria: GeneDx Variant Classification (06012015). Collection method: clinical testing. Allele origin: germline. Affected: yes.
Comment: This variant is considered likely benign or benign based on one or more of the following criteria: it is a conservative change, it occurs at a poorly conserved position in the protein, it is predicted to be benign by multiple in silico algorithms, and/or has population frequency not consistent with disease.

NM_000551.4(VHL):c.-44G>T

Gene: VHL (von Hippel-Lindau tumor suppressor; plus strand). Cytogenetic location: 3p25.3.
Variant type: single nucleotide variant.
Coding change: c.-44G>T on transcript NM_000551.4 (MANE Select); 44 bases upstream of the start codon, G replaced by T.
Molecular consequence: 5 prime UTR variant.
Genome position (GRCh38, 1-based): chr3:10,141,804, G>T. VCF-style: chr3-10141804-G-T. GRCh37 (hg19) VCF-style: chr3-10183488-G-T.
Other names: c.-44G>T (NM_001354723.2, NM_198156.3).
Identifiers: ClinVar variation 507432 (VCV000507432.3), dbSNP rs929301467, ClinGen allele CA70042011.
Genomic context (GRCh38, chr3:10,141,804, plus strand): 5'-CGAAGACTACGGAGGTCGACTCGGGAGCGCGCACGCAGCTCCGCCCCGCGTCCGACCCGC[G>T]GATCCCGCGGCGTCCGGCCCGGGTGGTCTGGATCGCGGAGGGAATGCCCCGGAGGGCGGA-3'